The following is an entry in ClinVar:

ClinVar aggregate classification (germline): Conflicting classifications of pathogenicity. Review status: criteria provided, conflicting classifications (1 of 4 stars). 3 submissions from 2 submitters: Uncertain significance (2); Benign (1). Last evaluated 2022-10-01.

Conditions:
Dilated cardiomyopathy 1V (CMD1V). Identifiers: Orphanet 154, MedGen C3150958, MONDO:0013373, OMIM 613697.
Alzheimer disease 4 (AD4). Identifiers: Orphanet 1020, MedGen C1847200, MONDO:0011743, OMIM 606889.

Allele frequency attached by ClinVar (database versions not stated): gnomAD 0.00086; 1000 Genomes Project 30x 0.00125; TOPMed 0.00125; 1000 Genomes Project 0.00140.

Submissions (3):

CeGaT Center for Human Genetics Tuebingen
Classification: Benign. Last evaluated: 2022-10-01. Review status: criteria provided, single submitter. Criteria: CeGaT Center For Human Genetics Tuebingen Variant Classification Criteria Version 2. Collection method: clinical testing. Allele origin: germline. Affected: yes. Observed: 1 variant allele.
Comment: PSEN2: BS1, BS2

Illumina Laboratory Services, Illumina
Classification: Uncertain significance for Alzheimer disease 4. Last evaluated: 2018-01-13. Review status: criteria provided, single submitter. Criteria: ICSL Variant Classification Criteria 13 December 2019. Collection method: clinical testing. Allele origin: germline.

Illumina Laboratory Services, Illumina
Classification: Uncertain significance for Dilated cardiomyopathy 1V. Last evaluated: 2018-01-13. Review status: criteria provided, single submitter. Criteria: ICSL Variant Classification Criteria 13 December 2019. Collection method: clinical testing. Allele origin: germline.

NM_000447.3(PSEN2):c.*306G>A

Gene: PSEN2 (presenilin 2; plus strand). Cytogenetic location: 1q42.13.
Variant type: single nucleotide variant.
Coding change: c.*306G>A on transcript NM_000447.3 (MANE Select); 306 bases downstream of the stop codon, G replaced by A.
Molecular consequence: 3 prime UTR variant.
Genome position (GRCh38, 1-based): chr1:226,895,885, G>A. VCF-style: chr1-226895885-G-A. GRCh37 (hg19) VCF-style: chr1-227083586-G-A.
Other names: c.*306G>A (NM_012486.3).
Identifiers: ClinVar variation 296002 (VCV000296002.29), dbSNP rs145129440, ClinGen allele CA10609255.